The following is an entry in ClinVar:

NM_015338.6(ASXL1):c.1811C>G (p.Ser604Cys)

Gene: ASXL1 (ASXL transcriptional regulator 1; plus strand). Cytogenetic location: 20q11.21.
Variant type: single nucleotide variant.
Coding change: c.1811C>G on transcript NM_015338.6 (MANE Select); coding-DNA position 1811, C replaced by G.
Protein change: p.Ser604Cys; replaces serine 604 with cysteine.
Molecular consequence: missense variant.
Genome position (GRCh38, 1-based): chr20:32,434,523, C>G. VCF-style: chr20-32434523-C-G. GRCh37 (hg19) VCF-style: chr20-31022326-C-G.
Other names: c.1628C>G, p.Ser543Cys (NM_001363734.1); short protein forms S604C, S543C.
Identifiers: ClinVar variation 3439272 (VCV003439272.1).

ClinVar aggregate classification (germline): Uncertain significance (1 of 4 stars; one submission).

Conditions:
Inborn genetic diseases. Identifiers: MedGen C0950123, MeSH D030342.

gnomAD v4.1: 2 of 1,613,902 alleles (0.00012%); highest among the groups gnomAD compares: African/African-American, 0.0027%; no homozygotes.

Submission:

Ambry Genetics
Classification: Uncertain significance for Inborn genetic diseases. Last evaluated: 2024-12-01. Review status: criteria provided, single submitter. Criteria: Ambry Variant Classification Scheme 2023. Collection method: clinical testing. Allele origin: germline.
Comment: The p.S604C variant (also known as c.1811C>G), located in coding exon 13 of the ASXL1 gene, results from a C to G substitution at nucleotide position 1811. The serine at codon 604 is replaced by cysteine, an amino acid with dissimilar properties. This amino acid position is conserved. In addition, this alteration is predicted to be tolerated by in silico analysis. Based on the available evidence, the clinical significance of this variant remains unclear.